The following is an entry in ClinVar:

ClinVar aggregate classification (germline): Uncertain significance (1 of 4 stars; one submission).

Conditions:
Fanconi anemia (FA). Also called: Fanconi's anemia. Identifiers: Orphanet 84, MedGen C0015625, MeSH D005199, MONDO:0019391.

gnomAD v4.1: 1 of 1,614,016 alleles (0.000062%); highest among the groups gnomAD compares: Admixed American, 0.0017%; no homozygotes.

Submission:

Labcorp Genetics (formerly Invitae), Labcorp
Classification: Uncertain significance for Fanconi anemia. Last evaluated: 2025-03-09. Review status: criteria provided, single submitter. Criteria: Invitae Variant Classification Sherloc (09022015). Collection method: clinical testing. Allele origin: germline.
Comment: This sequence change replaces phenylalanine, which is neutral and non-polar, with leucine, which is neutral and non-polar, at codon 708 of the SLX4 protein (p.Phe708Leu). This variant is not present in population databases (gnomAD no frequency). This variant has not been reported in the literature in individuals affected with SLX4-related conditions. An algorithm developed to predict the effect of missense changes on protein structure and function (PolyPhen-2) suggests that this variant is likely to be disruptive. In summary, the available evidence is currently insufficient to determine the role of this variant in disease. Therefore, it has been classified as a Variant of Uncertain Significance.

NM_032444.4(SLX4):c.2122T>C (p.Phe708Leu)

Gene: SLX4 (SLX4 structure-specific endonuclease subunit; minus strand). Cytogenetic location: 16p13.3.
Variant type: single nucleotide variant.
Coding change: c.2122T>C on transcript NM_032444.4 (MANE Select); coding-DNA position 2122, T replaced by C.
Protein change: p.Phe708Leu; replaces phenylalanine 708 with leucine.
Molecular consequence: missense variant.
Genome position (GRCh38, 1-based): chr16:3,594,491, A>G on the plus strand (T>C on the coding strand, the complement: SLX4 is on the minus strand). VCF-style: chr16-3594491-A-G. GRCh37 (hg19) VCF-style: chr16-3644492-A-G.
Other names: short protein forms F708L.
Identifiers: ClinVar variation 4737658 (VCV004737658.1).
Genomic context (GRCh38, chr16:3,594,491, plus strand): 5'-ACACGGCAGCCCACGTACTTACATACTGGATGAGGAGCGGGCATCGGGCATAAAGCACGA[A>G]CTTGTGGGCGTAAAGCACCTCCCCGCTGTCCGTCTGAAACTGGACATCACTCAGGTGTGG-3'
Protein context (NP_115820.2, residues 698-718): DSGEVLYAHK[Phe708Leu]VLYARCPLLI